The following is an entry in ClinVar:

NM_030962.4(SBF2):c.1017T>C (p.Pro339=)

Gene: SBF2 (SET binding factor 2; minus strand). Cytogenetic location: 11p15.4.
Variant type: single nucleotide variant.
Coding change: c.1017T>C on transcript NM_030962.4 (MANE Select); coding-DNA position 1017, T replaced by C.
Protein change: p.Pro339=; no amino-acid change (proline 339 retained).
Molecular consequence: synonymous variant.
Genome position (GRCh38, 1-based): chr11:9,993,957, A>G on the plus strand (T>C on the coding strand, the complement: SBF2 is on the minus strand). VCF-style: chr11-9993957-A-G. GRCh37 (hg19) VCF-style: chr11-10015504-A-G.
Other names: c.1017T>C, p.Pro339= (NM_001386339.1, NM_001386342.1).
Identifiers: ClinVar variation 2137779 (VCV002137779.5), dbSNP rs374673632, ClinGen allele CA5881937.

ClinVar aggregate classification (germline): Likely benign. Review status: criteria provided, multiple submitters, no conflicts (2 of 4 stars). 2 submissions from 2 submitters: Likely benign (2). Last evaluated 2026-07-07.

Conditions:
Charcot-Marie-Tooth disease type 4. Also called: Charcot-Marie-Tooth, Type 4; Charcot-Marie-Tooth disease, type IV. Identifiers: Orphanet 64749, MedGen C4082197, MONDO:0018995.
SBF2-related disorder. Also called: SBF2-related condition.

Allele frequency attached by ClinVar (database versions not stated): gnomAD 0.00001; TOPMed 0.00001; ExAC 0.00002; gnomAD exomes 0.00005; ESP Exome Variant Server 0.00008.
gnomAD v4.1: 51 of 1,241,360 alleles (0.0041%); highest among the groups gnomAD compares: Non-Finnish European, 0.006%; no homozygotes.

Submissions (2):

PreventionGenetics, part of Exact Sciences
Classification: Likely benign for SBF2-related condition. Last evaluated: 2026-07-07. Review status: criteria provided, single submitter. Criteria: ACMG Guidelines, 2015. Collection method: clinical testing. Allele origin: germline.
Comment: This variant is classified as likely benign based on ACMG/AMP sequence variant interpretation guidelines (Richards et al. 2015 PMID: 25741868, with internal and published modifications).

Labcorp Genetics (formerly Invitae), Labcorp
Classification: Likely benign for Charcot-Marie-Tooth disease type 4. Last evaluated: 2025-01-24. Review status: criteria provided, single submitter. Criteria: Invitae Variant Classification Sherloc (09022015). Collection method: clinical testing. Allele origin: germline.